The following is an entry in ClinVar:

ClinVar aggregate classification (germline): Uncertain significance (1 of 4 stars; one submission).

Submission:

Labcorp Genetics (formerly Invitae), Labcorp
Classification: Uncertain significance. Last evaluated: 2024-12-16. Review status: criteria provided, single submitter. Criteria: Invitae Variant Classification Sherloc (09022015). Collection method: clinical testing. Allele origin: germline.
Comment: This sequence change replaces methionine, which is neutral and non-polar, with lysine, which is basic and polar, at codon 143 of the RHO protein (p.Met143Lys). This variant is present in population databases (rs752496804, gnomAD 0.003%). This variant has not been reported in the literature in individuals affected with RHO-related conditions. ClinVar contains an entry for this variant (Variation ID: 963426). Invitae Evidence Modeling of protein sequence and biophysical properties (such as structural, functional, and spatial information, amino acid conservation, physicochemical variation, residue mobility, and thermodynamic stability) has been performed for this missense variant. However, the output from this modeling did not meet the statistical confidence thresholds required to predict the impact of this variant on RHO protein function. In summary, the available evidence is currently insufficient to determine the role of this variant in disease. Therefore, it has been classified as a Variant of Uncertain Significance.

NM_000539.3(RHO):c.428T>A (p.Met143Lys)

Gene: RHO (rhodopsin; plus strand). Cytogenetic location: 3q22.1.
Variant type: single nucleotide variant.
Coding change: c.428T>A on transcript NM_000539.3 (MANE Select); coding-DNA position 428, T replaced by A.
Protein change: p.Met143Lys; replaces methionine 143 with lysine.
Molecular consequence: missense variant.
Genome position (GRCh38, 1-based): chr3:129,530,942, T>A. VCF-style: chr3-129530942-T-A. GRCh37 (hg19) VCF-style: chr3-129249785-T-A.
Other names: short protein forms M143K.
Identifiers: ClinVar variation 963426 (VCV000963426.9), dbSNP rs752496804, ClinGen allele CA2607155.